The following is an entry in ClinVar:

NM_002474.3(MYH11):c.5371G>A (p.Glu1791Lys)

Genes: MYH11 (myosin heavy chain 11; minus strand), NDE1 (nudE neurodevelopment protein 1; plus strand). Cytogenetic location: 16p13.11.
Variant type: single nucleotide variant.
Coding change: c.5371G>A on transcript NM_002474.3 (MANE Select); coding-DNA position 5371, G replaced by A.
Protein change: p.Glu1791Lys; replaces glutamic acid 1791 with lysine.
Molecular consequence: missense variant. On other transcripts: intron variant (2).
Genome position (GRCh38, 1-based): chr16:15,717,273, C>T on the plus strand (G>A on the coding strand, the complement: MYH11 is on the minus strand). VCF-style: chr16-15717273-C-T. GRCh37 (hg19) VCF-style: chr16-15811130-C-T.
Other names: c.5392G>A, p.Glu1798Lys (NM_001040113.2, NM_001040114.2); c.5371G>A, p.Glu1791Lys (NM_022844.3); c.948-6918C>T (NM_001143979.2, NM_017668.3); short protein forms E1798K, E1791K.
Identifiers: ClinVar variation 238262 (VCV000238262.24), dbSNP rs368269107, ClinGen allele CA7921289.

ClinVar aggregate classification (germline): Uncertain significance. Review status: criteria provided, multiple submitters, no conflicts (2 of 4 stars). 6 submissions from 6 submitters: Uncertain significance (6). Last evaluated 2025-12-10.

Conditions:
Megacystis-microcolon-intestinal hypoperistalsis syndrome 2. Identifiers: MedGen C5543476, MONDO:0025708, OMIM 619351.
Familial thoracic aortic aneurysm and aortic dissection (TAAD). Also called: Thoracic aortic aneurysms and dissections. Identifiers: Orphanet 91387, MedGen C4707243, MONDO:0019625.
Aortic aneurysm, familial thoracic 4 (AAT4). Also called: AORTIC ANEURYSM/AORTIC DISSECTION AND PATENT DUCTUS ARTERIOSUS. Identifiers: MedGen C1851504, MONDO:0007568, OMIM 132900.

Allele frequency attached by ClinVar (database versions not stated): TOPMed 0.00002.
gnomAD v4.1: 84 of 1,613,798 alleles (0.0052%); highest among the groups gnomAD compares: Non-Finnish European, 0.0065%; no homozygotes.

Submissions (6):

Labcorp Genetics (formerly Invitae), Labcorp
Classification: Uncertain significance for Aortic aneurysm, familial thoracic 4. Last evaluated: 2025-12-10. Review status: criteria provided, single submitter. Criteria: Invitae Variant Classification Sherloc (09022015). Collection method: clinical testing. Allele origin: germline.
Comment: This sequence change replaces glutamic acid, which is acidic and polar, with lysine, which is basic and polar, at codon 1798 of the MYH11 protein (p.Glu1798Lys). This variant is present in population databases (rs368269107, gnomAD 0.004%). This variant has not been reported in the literature in individuals affected with MYH11-related conditions. ClinVar contains an entry for this variant (Variation ID: 238262). Invitae Evidence Modeling of protein sequence and biophysical properties (such as structural, functional, and spatial information, amino acid conservation, physicochemical variation, residue mobility, and thermodynamic stability) indicates that this missense variant is not expected to disrupt MYH11 protein function with a negative predictive value of 95%. In summary, the available evidence is currently insufficient to determine the role of this variant in disease. Therefore, it has been classified as a Variant of Uncertain Significance.

Color Diagnostics, LLC DBA Color Health
Classification: Uncertain significance for Familial thoracic aortic aneurysm and aortic dissection. Last evaluated: 2025-11-10. Review status: criteria provided, single submitter. Criteria: ACMG Guidelines, 2015. Collection method: clinical testing. Allele origin: germline.
Comment: This missense variant replaces glutamic acid with lysine at codon 1798 of the MYH11 protein. Computational prediction suggests that this variant may have deleterious impact on protein structure and function. To our knowledge, functional studies have not been reported for this variant. This variant has not been reported in individuals affected with cardiovascular disorders in the literature. This variant has been identified in 5/251070 chromosomes in the general population by the Genome Aggregation Database (gnomAD). The available evidence is insufficient to determine the role of this variant in disease conclusively. Therefore, this variant is classified as a Variant of Uncertain Significance.

Genomic Medicine Center of Excellence, King Faisal Specialist Hospital and Research Centre
Classification: Uncertain significance for Megacystis-microcolon-intestinal hypoperistalsis syndrome 2. Last evaluated: 2025-09-10. Review status: criteria provided, single submitter. Criteria: ACMG Guidelines, 2015. Collection method: clinical testing. Allele origin: germline.

GeneDx
Classification: Uncertain significance. Last evaluated: 2025-08-25. Review status: criteria provided, single submitter. Criteria: GeneDx Variant Classification Process June 2021. Collection method: clinical testing. Allele origin: germline. Affected: yes.
Comment: Has not been previously published as pathogenic or benign to our knowledge; Not observed at significant frequency in large population cohorts (gnomAD); In silico analysis supports that this missense variant has a deleterious effect on protein structure/function

All of Us Research Program, National Institutes of Health
Classification: Uncertain significance for Familial thoracic aortic aneurysm and aortic dissection. Last evaluated: 2024-05-14. Review status: criteria provided, single submitter. Criteria: ACMG Guidelines, 2015. Collection method: clinical testing. Allele origin: germline. Inheritance: Autosomal dominant inheritance. Observed: 7 variant alleles, 7 heterozygotes.
Comment: This missense variant replaces glutamic acid with lysine at codon 1798 of the MYH11 protein. Computational prediction suggests that this variant may have deleterious impact on protein structure and function (internally defined REVEL score threshold >= 0.7, PMID: 27666373). To our knowledge, functional studies have not been reported for this variant. This variant has not been reported in individuals affected with cardiovascular disorders in the literature. This variant has been identified in 5/251070 chromosomes in the general population by the Genome Aggregation Database (gnomAD). The available evidence is insufficient to determine the role of this variant in disease conclusively. Therefore, this variant is classified as a Variant of Uncertain Significance.

This study involves interpretation of variants in research participants for the purpose of population health screening. Participant phenotype was not available at the time of variant classification. Additional details can be found in publication PMID: 35346344, PMCID: PMC8962531

Ambry Genetics
Classification: Uncertain significance for Familial thoracic aortic aneurysm and aortic dissection. Last evaluated: 2023-02-16. Review status: criteria provided, single submitter. Criteria: Ambry Variant Classification Scheme 2023. Collection method: clinical testing. Allele origin: germline.
Comment: The p.E1791K variant (also known as c.5371G>A), located in coding exon 37 of the MYH11 gene, results from a G to A substitution at nucleotide position 5371. The glutamic acid at codon 1791 is replaced by lysine, an amino acid with similar properties. This amino acid position is conserved. In addition, this alteration is predicted to be deleterious by in silico analysis. Since supporting evidence is limited at this time, the clinical significance of this alteration remains unclear.